The following is an entry in ClinVar:

NM_177438.3(DICER1):c.954A>C (p.Ala318=)

Gene: DICER1 (dicer 1, ribonuclease III; minus strand). Cytogenetic location: 14q32.13.
Variant type: single nucleotide variant.
Coding change: c.954A>C on transcript NM_177438.3 (MANE Select); coding-DNA position 954, A replaced by C.
Protein change: p.Ala318=; no amino-acid change (alanine 318 retained).
Molecular consequence: synonymous variant.
Genome position (GRCh38, 1-based): chr14:95,124,618, T>G on the plus strand (A>C on the coding strand, the complement: DICER1 is on the minus strand). VCF-style: chr14-95124618-T-G. GRCh37 (hg19) VCF-style: chr14-95590955-T-G.
Other names: c.954A>C, p.Ala318= (NM_001195573.1, NM_001271282.3, NM_001291628.2 and 1 more transcripts).
Identifiers: ClinVar variation 1135164 (VCV001135164.13), dbSNP rs1245068773, ClinGen allele CA487846058.

ClinVar aggregate classification (germline): Benign/Likely benign. Review status: criteria provided, multiple submitters, no conflicts (2 of 4 stars). 3 submissions from 3 submitters: Benign (1); Likely benign (2). Last evaluated 2026-04-15.

Conditions:
DICER1-related tumor predisposition. Also called: DICER1 syndrome; DICER1-related pleuropulmonary blastoma cancer predisposition syndrome. Identifiers: Orphanet 284343, MedGen C3839822, MONDO:0100216.
Hereditary cancer-predisposing syndrome. Also called: Neoplastic Syndromes, Hereditary; Tumor predisposition; Hereditary Cancer Syndrome; Hereditary neoplastic syndrome. Identifiers: Orphanet 140162, MedGen C0027672, MeSH D009386, MONDO:0015356.

Allele frequency attached by ClinVar (database versions not stated): gnomAD exomes 0.00001.
gnomAD v4.1: 2 of 1,613,744 alleles (0.00012%); highest among the groups gnomAD compares: Admixed American, 0.0017%; no homozygotes.

Submissions (3):

Myriad Genetics, Inc.
Classification: Benign for DICER1-related tumor predisposition. Last evaluated: 2026-04-15. Review status: criteria provided, single submitter. Criteria: Myriad Autosomal Dominant, Autosomal Recessive and X-Linked Classification Criteria (2023). Collection method: clinical testing. Allele origin: unknown.
Comment: This variant is considered benign. This variant is a silent/synonymous amino acid change and it is not expected to impact splicing.

Labcorp Genetics (formerly Invitae), Labcorp
Classification: Likely benign for DICER1-related tumor predisposition. Last evaluated: 2026-01-13. Review status: criteria provided, single submitter. Criteria: Invitae Variant Classification Sherloc (09022015). Collection method: clinical testing. Allele origin: germline.

Ambry Genetics
Classification: Likely benign for Hereditary cancer-predisposing syndrome. Last evaluated: 2020-06-08. Review status: criteria provided, single submitter. Criteria: Ambry Variant Classification Scheme 2023. Collection method: clinical testing. Allele origin: germline.